The following is an entry in ClinVar:

ClinVar aggregate classification (germline): Uncertain significance. Review status: criteria provided, multiple submitters, no conflicts (2 of 4 stars). 2 submissions from 2 submitters: Uncertain significance (2). Last evaluated 2026-02-27.

Conditions:
NTRK2-related disorder. Also called: NTRK2-related condition.

Allele frequency attached by ClinVar (database versions not stated): gnomAD 0.00001; gnomAD exomes 0.00001; TOPMed 0.00005.
gnomAD v4.1: 14 of 1,612,952 alleles (0.00087%); highest among the groups gnomAD compares: Admixed American, 0.005%; no homozygotes.

Submissions (2):

PreventionGenetics, part of Exact Sciences
Classification: Uncertain significance for NTRK2-related condition. Last evaluated: 2026-02-27. Review status: criteria provided, single submitter. Criteria: ACMG Guidelines, 2015. Collection method: clinical testing. Allele origin: germline.
Comment: The NTRK2 c.1282C>T variant is predicted to result in the amino acid substitution p.Arg428Trp. To our knowledge, this variant has not been reported in the literature. This variant is reported in 0.0099% of alleles in individuals of Ashkenazi Jewish descent in gnomAD. At this time, the clinical significance of this variant is uncertain due to the absence of conclusive functional and genetic evidence.

Labcorp Genetics (formerly Invitae), Labcorp
Classification: Uncertain significance. Last evaluated: 2023-08-31. Review status: criteria provided, single submitter. Criteria: Invitae Variant Classification Sherloc (09022015). Collection method: clinical testing. Allele origin: germline.
Comment: In summary, the available evidence is currently insufficient to determine the role of this variant in disease. Therefore, it has been classified as a Variant of Uncertain Significance. Advanced modeling of protein sequence and biophysical properties (such as structural, functional, and spatial information, amino acid conservation, physicochemical variation, residue mobility, and thermodynamic stability) performed at Invitae indicates that this missense variant is expected to disrupt NTRK2 protein function. ClinVar contains an entry for this variant (Variation ID: 1365483). This variant has not been reported in the literature in individuals affected with NTRK2-related conditions. This variant is present in population databases (no rsID available, gnomAD 0.01%). This sequence change replaces arginine, which is basic and polar, with tryptophan, which is neutral and slightly polar, at codon 428 of the NTRK2 protein (p.Arg428Trp).

NM_006180.6(NTRK2):c.1282C>T (p.Arg428Trp)

Gene: NTRK2 (neurotrophic receptor tyrosine kinase 2; plus strand). Cytogenetic location: 9q21.33.
Variant type: single nucleotide variant.
Coding change: c.1282C>T on transcript NM_006180.6 (MANE Select); coding-DNA position 1282, C replaced by T.
Protein change: p.Arg428Trp; replaces arginine 428 with tryptophan.
Molecular consequence: missense variant.
Genome position (GRCh38, 1-based): chr9:84,745,059, C>T. VCF-style: chr9-84745059-C-T. GRCh37 (hg19) VCF-style: chr9-87359974-C-T.
Other names: c.1282C>T, p.Arg428Trp (NM_001369537.1, NM_001369538.1, NM_001369539.1 and 15 more transcripts); c.1243C>T, p.Arg415Trp (NM_001369546.1, NM_001291937.2); c.1246C>T, p.Arg416Trp (NM_001369534.1); c.814C>T, p.Arg272Trp (NM_001369535.1, NM_001369536.1, NM_001369550.1 and 2 more transcripts); c.1282C>T (NM_006180.4); short protein forms R415W, R416W, R428W, R272W.
Identifiers: ClinVar variation 1365483 (VCV001365483.9), dbSNP rs958492686, ClinGen allele CA195752648.